The following is an entry in ClinVar:

ClinVar aggregate classification (germline): Uncertain significance (1 of 4 stars; one submission).

Submission:

Labcorp Genetics (formerly Invitae), Labcorp
Classification: Uncertain significance. Last evaluated: 2022-08-16. Review status: criteria provided, single submitter. Criteria: Invitae Variant Classification Sherloc (09022015). Collection method: clinical testing. Allele origin: germline.
Comment: This variant has not been reported in the literature in individuals affected with OPN1SW-related conditions. ClinVar contains an entry for this variant (Variation ID: 1376603). In summary, the available evidence is currently insufficient to determine the role of this variant in disease. Therefore, it has been classified as a Variant of Uncertain Significance. This variant is not present in population databases (gnomAD no frequency). This sequence change creates a premature translational stop signal (p.Pro177Argfs*10) in the OPN1SW gene. It is expected to result in an absent or disrupted protein product. However, the current clinical and genetic evidence is not sufficient to establish whether loss-of-function variants in OPN1SW cause disease.

NM_001385125.1(OPN1SW):c.521_522del (p.Pro174fs)

Gene: OPN1SW (opsin 1, short wave sensitive; minus strand). Cytogenetic location: 7q32.1.
Variant type: Deletion.
Coding change: c.521_522del on transcript NM_001385125.1 (MANE Select); coding-DNA positions 521 to 522, 2 bases deleted (CT; older notation c.521_522delCT).
Protein change: p.Pro174fs; shifts the reading frame from proline 174.
Molecular consequence: frameshift variant.
Genome position (GRCh38, 1-based): chr7:128,774,654-128,774,655, AG deleted on the plus strand (CT on the coding strand, the reverse complement: OPN1SW is on the minus strand). VCF-style (leftmost placement, unchanged base first): chr7-128774653-CAG-C. GRCh37 (hg19) VCF-style: chr7-128414707-CAG-C.
Other names: short protein forms P174fs.
Identifiers: ClinVar variation 1376603 (VCV001376603.6), dbSNP rs2128886061, ClinGen allele CA2573141700.